The following is an entry in ClinVar:

NM_182961.4(SYNE1):c.19124A>G (p.Gln6375Arg)

Gene: SYNE1 (spectrin repeat containing nuclear envelope protein 1; minus strand). Cytogenetic location: 6q25.2.
Variant type: single nucleotide variant.
Coding change: c.19124A>G on transcript NM_182961.4 (MANE Select); coding-DNA position 19124, A replaced by G.
Protein change: p.Gln6375Arg; replaces glutamine 6375 with arginine.
Molecular consequence: missense variant.
Genome position (GRCh38, 1-based): chr6:152,255,727, T>C on the plus strand (A>G on the coding strand, the complement: SYNE1 is on the minus strand). VCF-style: chr6-152255727-T-C. GRCh37 (hg19) VCF-style: chr6-152576862-T-C.
Other names: c.18911A>G, p.Gln6304Arg (NM_033071.5); short protein forms Q6304R, Q6375R.
Identifiers: ClinVar variation 971823 (VCV000971823.8), dbSNP rs909589026, ClinGen allele CA150202495.
Genomic context (GRCh38, chr6:152,255,727, plus strand): 5'-TCCAACCAAGTAGAGGTGGCTGAGACTCCATCATACAACTTCTGCTCCAAGTGTATACTC[T>C]GCCTCTTTGCCCCTCCACTCTGGGAAACACAAAACAGGGTCAAATAATCAATTTCAGTGT-3'
Protein context (NP_892006.3, residues 6365-6385): VSSQSGGAKR[Gln6375Arg]SIHLEQKLYD

ClinVar aggregate classification (germline): Uncertain significance (1 of 4 stars; one submission).

Conditions:
Autosomal recessive ataxia, Beauce type. Also called: Spinocerebellar ataxia, autosomal recessive 8; ATAXIA, RECESSIVE, OF BEAUCE; SYNE1-Related Autosomal Recessive Cerebellar Ataxia; SYNE1 Deficiency. Identifiers: Orphanet 88644, MedGen C1853116, MONDO:0012549, OMIM 610743.
Emery-Dreifuss muscular dystrophy 4, autosomal dominant (EDMD4). Also called: EMERY-DREIFUSS MUSCULAR DYSTROPHY 4 WITH VARIABLE FEATURES. Identifiers: Orphanet 261, MedGen C2751807, MONDO:0013071, OMIM 612998.

Allele frequency attached by ClinVar (database versions not stated): gnomAD 0.00001 and 0.00002; gnomAD exomes 0.00001 and 0.00003; TOPMed 0.00001.
gnomAD v4.1: 40 of 1,614,098 alleles (0.0025%); highest among the groups gnomAD compares: Non-Finnish European, 0.0033%; no homozygotes.

Submission:

Labcorp Genetics (formerly Invitae), Labcorp
Classification: Uncertain significance for Emery-Dreifuss muscular dystrophy 4, autosomal dominant; Autosomal recessive ataxia, Beauce type. Last evaluated: 2022-08-15. Review status: criteria provided, single submitter. Criteria: Invitae Variant Classification Sherloc (09022015). Collection method: clinical testing. Allele origin: germline.
Comment: This variant has not been reported in the literature in individuals affected with SYNE1-related conditions. ClinVar contains an entry for this variant (Variation ID: 971823). Algorithms developed to predict the effect of missense changes on protein structure and function are either unavailable or do not agree on the potential impact of this missense change (SIFT: "Deleterious"; PolyPhen-2: "Benign"; Align-GVGD: "Class C0"). This variant is present in population databases (no rsID available, gnomAD 0.002%). In summary, the available evidence is currently insufficient to determine the role of this variant in disease. Therefore, it has been classified as a Variant of Uncertain Significance. This sequence change replaces glutamine, which is neutral and polar, with arginine, which is basic and polar, at codon 6304 of the SYNE1 protein (p.Gln6304Arg).